The following is an entry in ClinVar:

NM_001393797.1(ABCC12):c.3994-7C>T

Gene: ABCC12 (ATP binding cassette subfamily C member 12; minus strand). Cytogenetic location: 16q12.1.
Variant type: single nucleotide variant.
Coding change: c.3994-7C>T on transcript NM_001393797.1 (MANE Select); 7 bases into the intron before coding-DNA position 3994, C replaced by T.
Molecular consequence: intron variant.
Genome position (GRCh38, 1-based): chr16:48,083,808, G>A on the plus strand (C>T on the coding strand, the complement: ABCC12 is on the minus strand). VCF-style: chr16-48083808-G-A. GRCh37 (hg19) VCF-style: chr16-48117719-G-A.
Other names: c.3994-7C>T (NM_033226.3); c.523-7C>T (NM_001393798.1); c.616-7C>T (NM_001393799.1).
Identifiers: ClinVar variation 4984424 (VCV004984424.1).

ClinVar aggregate classification (germline): Likely benign (1 of 4 stars; one submission).

Conditions:
ABCC12-related condition.

gnomAD v4.1: 4,737 of 1,614,136 alleles (0.29%); highest among the groups gnomAD compares: Admixed American, 0.37%; 6 homozygotes.

Submission:

PreventionGenetics, part of Exact Sciences
Classification: Likely benign for ABCC12-related condition. Last evaluated: 2025-12-16. Review status: criteria provided, single submitter. Criteria: ACMG Guidelines, 2015. Collection method: clinical testing. Allele origin: germline.
Comment: This variant is classified as likely benign based on ACMG/AMP sequence variant interpretation guidelines (Richards et al. 2015 PMID: 25741868, with internal and published modifications).